The following is an entry in ClinVar:

ClinVar aggregate classification (germline): Benign/Likely benign. Review status: criteria provided, multiple submitters, no conflicts (2 of 4 stars). 3 submissions from 3 submitters: Benign (1); Likely benign (2). Last evaluated 2026-01-21.

Conditions:
Joubert syndrome 21 (JBTS21). Identifiers: MedGen C3810212, MONDO:0014288, OMIM 615636.

Allele frequency attached by ClinVar (database versions not stated): TOPMed 0.00003; gnomAD exomes 0.00101; ExAC 0.00115; 1000 Genomes Project 30x 0.00219; 1000 Genomes Project 0.00260.
gnomAD v4.1: 651 of 1,557,668 alleles (0.042%); highest among the groups gnomAD compares: South Asian, 0.75%; 10 homozygotes.

Submissions (3):

Labcorp Genetics (formerly Invitae), Labcorp
Classification: Benign for Joubert syndrome 21. Last evaluated: 2026-01-21. Review status: criteria provided, single submitter. Criteria: Invitae Variant Classification Sherloc (09022015). Collection method: clinical testing. Allele origin: germline.

Blueprint Genetics
Classification: Likely benign. Last evaluated: 2024-11-13. Review status: criteria provided, single submitter. Criteria: ACMG Guidelines, 2015. Collection method: clinical testing. Allele origin: germline.

CeGaT Center for Human Genetics Tuebingen
Classification: Likely benign. Last evaluated: 2024-03-01. Review status: criteria provided, single submitter. Criteria: CeGaT Center For Human Genetics Tuebingen Variant Classification Criteria Version 2. Collection method: clinical testing. Allele origin: germline. Affected: yes. Observed: 1 variant allele.
Comment: CSPP1: BP4, BS2

NM_001382391.1(CSPP1):c.2122A>G (p.Ser708Gly)

Gene: CSPP1 (centrosome and spindle pole associated protein 1; plus strand). Cytogenetic location: 8q13.2.
Variant type: single nucleotide variant.
Coding change: c.2122A>G on transcript NM_001382391.1 (MANE Select); coding-DNA position 2122, A replaced by G.
Protein change: p.Ser708Gly; replaces serine 708 with glycine.
Molecular consequence: missense variant. On other transcripts: intron variant (3).
Genome position (GRCh38, 1-based): chr8:67,149,929, A>G. VCF-style: chr8-67149929-A-G. GRCh37 (hg19) VCF-style: chr8-68062164-A-G.
Other names: c.2107A>G, p.Ser703Gly (NM_024790.7); c.1934-4095A>G (NM_001363132.2); c.1853-4095A>G (NM_001363133.2); c.1079-4095A>G (NM_001291339.2); c.2041A>G, p.Ser681Gly (NM_001363131.2); c.2188A>G, p.Ser730Gly (NM_001364869.1); c.2008A>G, p.Ser670Gly (NM_001364870.1); short protein forms S703G, S681G, S730G, S670G, S708G.
Identifiers: ClinVar variation 541697 (VCV000541697.33), dbSNP rs201316149, ClinGen allele CA4770737.